The following is an entry in ClinVar:

ClinVar aggregate classification (germline): Likely pathogenic (0 of 4 stars; one submission).

Conditions:
KIDINS220-related disorder. Also called: KIDINS220-related condition.

Submission:

PreventionGenetics, part of Exact Sciences
Classification: Likely pathogenic for KIDINS220-related condition. Last evaluated: 2024-01-04. Review status: no assertion criteria provided. Collection method: clinical testing. Allele origin: germline.
Comment: The KIDINS220 c.4198_4199delinsT variant is predicted to result in a frameshift and premature protein termination (p.Gly1400Serfs*32). To our knowledge, this variant has not been reported in the literature or in a large population database, indicating this variant is rare. Frameshift variants in KIDINS220 are expected to be pathogenic. This variant is located in exon 30 of 30, and therefore is expected to be pathogenic for autosomal dominant and recessive KIDINS220 associated disorders. This variant is interpreted as likely pathogenic.

NM_020738.4(KIDINS220):c.4198_4199delinsT (p.Gly1400fs)

Gene: KIDINS220 (kinase D interacting substrate 220; minus strand). Cytogenetic location: 2p25.1.
Variant type: Indel.
Coding change: c.4198_4199delinsT on transcript NM_020738.4 (MANE Select); coding-DNA positions 4198 to 4199, GG replaced by T.
Protein change: p.Gly1400fs; shifts the reading frame from glycine 1400.
Molecular consequence: frameshift variant. On other transcripts: intron variant (6).
Genome position (GRCh38, 1-based): chr2:8,731,837-8,731,838, CC replaced by A on the plus strand (GG replaced by T on the coding strand, the reverse complement: KIDINS220 is on the minus strand). VCF-style: chr2-8731837-CC-A. GRCh37 (hg19) VCF-style: chr2-8871967-CC-A.
Other names: c.4201_4202delinsT, p.Gly1401fs (NM_001348729.2); c.4144_4145delinsT, p.Gly1382fs (NM_001348731.2); c.4141_4142delinsT, p.Gly1381fs (NM_001348732.2); c.4030_4031delinsT, p.Gly1344fs (NM_001348734.2); c.4027_4028delinsT, p.Gly1343fs (NM_001348735.2); c.3901_3902delinsT, p.Gly1301fs (NM_001348736.2); c.3882+1606_3882+1607delinsT (NM_001348741.2, NM_001348742.2, NM_001348743.2); c.3996+1606_3996+1607delinsT (NM_001348738.2); and 1 more; short protein forms G1301fs, G1343fs, G1344fs, G1381fs, G1382fs, G1400fs, G1401fs.
Identifiers: ClinVar variation 3348866 (VCV003348866.1).